The following is an entry in ClinVar:

NM_006214.4(PHYH):c.229G>A (p.Asp77Asn)

Gene: PHYH (phytanoyl-CoA 2-hydroxylase; minus strand). Cytogenetic location: 10p13.
Variant type: single nucleotide variant.
Coding change: c.229G>A on transcript NM_006214.4 (MANE Select); coding-DNA position 229, G replaced by A.
Protein change: p.Asp77Asn; replaces aspartic acid 77 with asparagine.
Molecular consequence: missense variant. On other transcripts: 5 prime UTR variant (3).
Genome position (GRCh38, 1-based): chr10:13,295,512, C>T on the plus strand (G>A on the coding strand, the complement: PHYH is on the minus strand). VCF-style: chr10-13295512-C-T. GRCh37 (hg19) VCF-style: chr10-13337512-C-T.
Other names: c.-72G>A (NM_001037537.2, NM_001323080.2, NM_001323084.2); c.229G>A, p.Asp77Asn (NM_001323082.2, NM_001323083.2); c.229G>A (NM_006214.3); short protein forms D77N.
Identifiers: ClinVar variation 1061102 (VCV001061102.6), dbSNP rs180913758, ClinGen allele CA5412452.

ClinVar aggregate classification (germline): Uncertain significance. Review status: criteria provided, multiple submitters, no conflicts (2 of 4 stars). 3 submissions from 3 submitters: Uncertain significance (3). Last evaluated 2022-10-13.

Conditions:
Inborn genetic diseases. Identifiers: MedGen C0950123, MeSH D030342.

Allele frequency attached by ClinVar (database versions not stated): ExAC 0.00001; gnomAD exomes 0.00002; gnomAD 0.00004 and 0.00005; TOPMed 0.00006; 1000 Genomes Project 0.00060; 1000 Genomes Project 30x 0.00078.
gnomAD v4.1: 31 of 1,534,510 alleles (0.002%); highest among the groups gnomAD compares: Admixed American, 0.018%; 1 homozygote.

Submissions (3):

Labcorp Genetics (formerly Invitae), Labcorp
Classification: Uncertain significance. Last evaluated: 2022-10-13. Review status: criteria provided, single submitter. Criteria: Invitae Variant Classification Sherloc (09022015). Collection method: clinical testing. Allele origin: germline.
Comment: This sequence change replaces aspartic acid, which is acidic and polar, with asparagine, which is neutral and polar, at codon 77 of the PHYH protein (p.Asp77Asn). This variant is present in population databases (rs180913758, gnomAD 0.01%). This variant has not been reported in the literature in individuals affected with PHYH-related conditions. ClinVar contains an entry for this variant (Variation ID: 1061102). Advanced modeling of protein sequence and biophysical properties (such as structural, functional, and spatial information, amino acid conservation, physicochemical variation, residue mobility, and thermodynamic stability) performed at Invitae indicates that this missense variant is not expected to disrupt PHYH protein function. In summary, the available evidence is currently insufficient to determine the role of this variant in disease. Therefore, it has been classified as a Variant of Uncertain Significance.

Ambry Genetics
Classification: Uncertain significance for Inborn genetic diseases. Last evaluated: 2022-01-18. Review status: criteria provided, single submitter. Criteria: Ambry Variant Classification Scheme 2023. Collection method: clinical testing. Allele origin: germline.

Blueprint Genetics
Classification: Uncertain significance. Last evaluated: 2021-12-23. Review status: criteria provided, single submitter. Criteria: ACMG Guidelines, 2015. Collection method: clinical testing. Allele origin: germline.